The following is an entry in ClinVar:

NM_003108.4(SOX11):c.965_983del (p.His322fs)

Gene: SOX11 (SRY-box transcription factor 11; plus strand). Cytogenetic location: 2p25.2.
Variant type: Deletion.
Coding change: c.965_983del on transcript NM_003108.4 (MANE Select); coding-DNA positions 965 to 983, 19 bases deleted (ACCCGCCGCCGCTCGCGCA).
Protein change: p.His322fs; shifts the reading frame from histidine 322.
Molecular consequence: frameshift variant.
Genome position (GRCh38, 1-based): chr2:5,693,686-5,693,704, ACCCGCCGCCGCTCGCGCA deleted. VCF-style (leftmost placement, unchanged base first): chr2-5693685-CACCCGCCGCCGCTCGCGCA-C. GRCh37 (hg19) VCF-style: chr2-5833817-CACCCGCCGCCGCTCGCGCA-C.
Other names: c.965_983del19 (NM_003108.3); c.965_983del (NM_003108.3); short protein forms H322fs.
Identifiers: ClinVar variation 524032 (VCV000524032.3), dbSNP rs1553327990, ClinGen allele CA658795672.

ClinVar aggregate classification (germline): Likely pathogenic (1 of 4 stars; one submission).

Submission:

GeneDx
Classification: Likely pathogenic. Last evaluated: 2023-03-01. Review status: criteria provided, single submitter. Criteria: GeneDx Variant Classification Process June 2021. Collection method: clinical testing. Allele origin: germline. Affected: yes.
Comment: Frameshift variant predicted to result in protein truncation, as the last 120 amino acids are replaced with 33 different amino acids, and other loss-of-function variants have been reported downstream in HGMD; Not observed at significant frequency in large population cohorts (gnomAD); Has not been previously published as pathogenic or benign to our knowledge